The following is an entry in ClinVar:

ClinVar aggregate classification (germline): Uncertain significance (1 of 4 stars; one submission).

Conditions:
Neurodevelopmental disorder with or without hyperkinetic movements and seizures, autosomal dominant. Also called: Intellectual disability, autosomal dominant 8. Identifiers: MedGen C3280282, MONDO:0013655, OMIM 614254.

gnomAD v4.1: 2 of 1,613,622 alleles (0.00012%); highest among the groups gnomAD compares: South Asian, 0.0022%; no homozygotes.

Submission:

Labcorp Genetics (formerly Invitae), Labcorp
Classification: Uncertain significance for Neurodevelopmental disorder with or without hyperkinetic movements and seizures, autosomal dominant. Last evaluated: 2024-03-20. Review status: criteria provided, single submitter. Criteria: Invitae Variant Classification Sherloc (09022015). Collection method: clinical testing. Allele origin: germline.
Comment: This sequence change replaces proline, which is neutral and non-polar, with serine, which is neutral and polar, at codon 767 of the GRIN1 protein (p.Pro767Ser). This variant is not present in population databases (gnomAD no frequency). This variant has not been reported in the literature in individuals affected with GRIN1-related conditions. Advanced modeling of protein sequence and biophysical properties (such as structural, functional, and spatial information, amino acid conservation, physicochemical variation, residue mobility, and thermodynamic stability) has been performed at Invitae for this missense variant, however the output from this modeling did not meet the statistical confidence thresholds required to predict the impact of this variant on GRIN1 protein function. In summary, the available evidence is currently insufficient to determine the role of this variant in disease. Therefore, it has been classified as a Variant of Uncertain Significance.

NM_007327.4(GRIN1):c.2299C>T (p.Pro767Ser)

Gene: GRIN1 (glutamate ionotropic receptor NMDA type subunit 1; plus strand). Cytogenetic location: 9q34.3.
Variant type: single nucleotide variant.
Coding change: c.2299C>T on transcript NM_007327.4 (MANE Select); coding-DNA position 2299, C replaced by T.
Protein change: p.Pro767Ser; replaces proline 767 with serine.
Molecular consequence: missense variant.
Genome position (GRCh38, 1-based): chr9:137,163,296, C>T. VCF-style: chr9-137163296-C-T. GRCh37 (hg19) VCF-style: chr9-140057748-C-T.
Other names: c.2299C>T, p.Pro767Ser (NM_000832.7, NM_021569.4); c.2362C>T, p.Pro788Ser (NM_001185090.2, NM_001185091.2); short protein forms P788S, P767S.
Identifiers: ClinVar variation 3644420 (VCV003644420.2).
Genomic context (GRCh38, chr9:137,163,296, plus strand): 5'-GTGACGACTGGAGAGCTGTTTTTCCGCTCGGGCTTCGGCATAGGCATGCGCAAAGACAGC[C>T]CCTGGAAGCAGAACGTCTCCCTGTCCATCCTCAAGTGAGTGTCCGTGCGCCCGCGTCCCT-3'
Protein context (NP_015566.1, residues 757-777): GFGIGMRKDS[Pro767Ser]WKQNVSLSIL